The following is an entry in ClinVar:

NM_004333.6(BRAF):c.138+6_138+11del

Gene: BRAF (B-Raf proto-oncogene, serine/threonine kinase; minus strand). Cytogenetic location: 7q34.
Variant type: Deletion.
Coding change: c.138+6_138+11del on transcript NM_004333.6 (MANE Select); bases 6 to 11 of the intron after coding-DNA position 138, 6 bases deleted (TGCTGG; older notation c.138+6_138+11delTGCTGG).
Molecular consequence: intron variant.
Genome position (GRCh38, 1-based): chr7:140,924,555-140,924,560, CCAGCA deleted on the plus strand (TGCTGG on the coding strand, the reverse complement: BRAF is on the minus strand); deleting any 6 consecutive bases within chr7:140,924,555-140,924,561 gives the same sequence; the c. name uses the placement nearest the transcript's 3' end. VCF-style (leftmost placement, unchanged base first): chr7-140924554-GCCAGCA-G. GRCh37 (hg19) VCF-style: chr7-140624354-GCCAGCA-G.
Other names: c.138+6_138+11del (NM_001378474.1, NM_001378470.1, NM_001378475.1 and 7 more transcripts).
Identifiers: ClinVar variation 2708121 (VCV002708121.3), dbSNP rs2536966341, ClinGen allele CA2697557640.

ClinVar aggregate classification (germline): Uncertain significance (1 of 4 stars; one submission).

Conditions:
RASopathy. Also called: rasopathies; Noonan spectrum disorder. Identifiers: Orphanet 536391, MedGen C5555857, MONDO:0021060.

Submission:

Labcorp Genetics (formerly Invitae), Labcorp
Classification: Uncertain significance for RASopathy. Last evaluated: 2024-05-15. Review status: criteria provided, single submitter. Criteria: Invitae Variant Classification Sherloc (09022015). Collection method: clinical testing. Allele origin: germline.
Comment: This sequence change falls in intron 1 of the BRAF gene. It does not directly change the encoded amino acid sequence of the BRAF protein. It affects a nucleotide within the consensus splice site. This variant is not present in population databases (gnomAD no frequency). This variant has not been reported in the literature in individuals affected with BRAF-related conditions. Variants that disrupt the consensus splice site are a relatively common cause of aberrant splicing (PMID: 17576681, 9536098). Algorithms developed to predict the effect of sequence changes on RNA splicing suggest that this variant is not likely to affect RNA splicing. In summary, the available evidence is currently insufficient to determine the role of this variant in disease. Therefore, it has been classified as a Variant of Uncertain Significance.

Literature cited by the submitters: PubMed 17576681; PubMed 9536098.